The following is an entry in ClinVar:

ClinVar aggregate classification (germline): Likely benign (0 of 4 stars; one submission).

Conditions:
TET1-related disorder. Also called: TET1-related condition.

Allele frequency attached by ClinVar (database versions not stated): gnomAD exomes 0.00003; ExAC 0.00005; gnomAD 0.00029; ESP Exome Variant Server 0.00031; TOPMed 0.00032.
gnomAD v4.1: 83 of 1,613,358 alleles (0.0051%); highest among the groups gnomAD compares: African/African-American, 0.1%; 1 homozygote.

Submission:

PreventionGenetics, part of Exact Sciences
Classification: Likely benign for TET1-related condition. Last evaluated: 2019-06-17. Review status: no assertion criteria provided. Collection method: clinical testing. Allele origin: germline.
Comment: This variant is classified as likely benign based on ACMG/AMP sequence variant interpretation guidelines (Richards et al. 2015 PMID: 25741868, with internal and published modifications).

NM_030625.3(TET1):c.2298A>G (p.Leu766=)

Gene: TET1 (tet methylcytosine dioxygenase 1; plus strand). Cytogenetic location: 10q21.3.
Variant type: single nucleotide variant.
Coding change: c.2298A>G on transcript NM_030625.3 (MANE Select); coding-DNA position 2298, A replaced by G.
Protein change: p.Leu766=; no amino-acid change (leucine 766 retained).
Molecular consequence: synonymous variant. On other transcripts: intron variant (4).
Genome position (GRCh38, 1-based): chr10:68,645,027, A>G. VCF-style: chr10-68645027-A-G. GRCh37 (hg19) VCF-style: chr10-70404784-A-G.
Other names: c.2298A>G, p.Leu766= (NM_001406365.1); c.387A>G, p.Leu129= (NM_001406367.1); c.285A>G, p.Leu95= (NM_001406368.1, NM_001406369.1, NM_001406370.1 and 2 more transcripts); c.1969-22018A>G (NM_001406373.1, NM_001406374.1); c.-80-6819A>G (NM_001406375.1, NM_001406376.1).
Identifiers: ClinVar variation 3033232 (VCV003033232.2), dbSNP rs145075553, ClinGen allele CA5526249.